The following is an entry in ClinVar:

ClinVar aggregate classification (germline): Pathogenic (1 of 4 stars; one submission).

Conditions:
Curry-Hall syndrome (WAD). Also called: WEYERS ACRODENTAL DYSOSTOSIS. Identifiers: Orphanet 952, MedGen C0457013, MONDO:0008673, OMIM 193530.
Ellis-van Creveld syndrome (EVC). Also called: EVC-Related Ellis-van Creveld Syndrome; EVC2-Related Ellis-van Creveld Syndrome; MESOECTODERMAL DYSPLASIA; Chondroectodermal dysplasia. Identifiers: Orphanet 289, MedGen C0013903, MONDO:0009162, OMIM 225500.

Submission:

Labcorp Genetics (formerly Invitae), Labcorp
Classification: Pathogenic for Curry-Hall syndrome; Ellis-van Creveld syndrome. Last evaluated: 2023-08-22. Review status: criteria provided, single submitter. Criteria: Invitae Variant Classification Sherloc (09022015). Collection method: clinical testing. Allele origin: germline.
Comment: This variant has not been reported in the literature in individuals affected with EVC2-related conditions. For these reasons, this variant has been classified as Pathogenic. This variant is not present in population databases (gnomAD no frequency). This sequence change creates a premature translational stop signal (p.Lys105Argfs*42) in the EVC2 gene. It is expected to result in an absent or disrupted protein product. Loss-of-function variants in EVC2 are known to be pathogenic (PMID: 17024374, 19810119, 19876929).

Literature cited by the submitters: PubMed 17024374; PubMed 19810119; PubMed 19876929.

NM_147127.5(EVC2):c.314del (p.Lys105fs)

Gene: EVC2 (EvC ciliary complex subunit 2; minus strand). Cytogenetic location: 4p16.2.
Variant type: Deletion.
Coding change: c.314del on transcript NM_147127.5 (MANE Select); coding-DNA position 314, one base deleted (A; older notation c.314delA).
Protein change: p.Lys105fs; shifts the reading frame from lysine 105.
Molecular consequence: frameshift variant.
Genome position (GRCh38, 1-based): chr4:5,694,471, T deleted on the plus strand (A on the coding strand, the reverse complement: EVC2 is on the minus strand); the first of 2 consecutive T bases (chr4:5,694,471-5,694,472); deleting either gives the same sequence. VCF-style (leftmost placement, unchanged base first): chr4-5694470-CT-C. GRCh37 (hg19) VCF-style: chr4-5696197-CT-C.
Other names: c.74del, p.Lys25fs (NM_001166136.2); short protein forms K25fs, K105fs.
Identifiers: ClinVar variation 2951168 (VCV002951168.3), dbSNP rs2474100983, ClinGen allele CA2740091148.
Genomic context (GRCh38, chr4:5,694,470, plus strand): 5'-ATGAGCCCATGGCCCACTAGAGGCTGCAGAAGTTGAGAGTGGGATGAAGACTTCCATTTT[CT>C]TGTCCAATTTCATTCCAAGTGGTGCTTCCACTGCAAAACAACAACACACCCGTTTTATAT-3'